The following is an entry in ClinVar:

NM_000742.4(CHRNA2):c.*384G>A

Gene: CHRNA2 (cholinergic receptor nicotinic alpha 2 subunit; minus strand). Cytogenetic location: 8p21.2.
Variant type: single nucleotide variant.
Coding change: c.*384G>A on transcript NM_000742.4 (MANE Select); 384 bases downstream of the stop codon, G replaced by A.
Molecular consequence: 3 prime UTR variant.
Genome position (GRCh38, 1-based): chr8:27,461,245, C>T on the plus strand (G>A on the coding strand, the complement: CHRNA2 is on the minus strand). VCF-style: chr8-27461245-C-T. GRCh37 (hg19) VCF-style: chr8-27318762-C-T.
Other names: c.*384G>A (NM_001282455.2, NM_001347705.2, NM_001347706.2 and 2 more transcripts).
Identifiers: ClinVar variation 362689 (VCV000362689.5), dbSNP rs76428534, ClinGen allele CA10625277.

ClinVar aggregate classification (germline): Benign (1 of 4 stars; one submission).

Conditions:
Autosomal dominant nocturnal frontal lobe epilepsy 4. Also called: EPILEPSY, FAMILIAL, WITH NOCTURNAL WANDERING AND ICTAL FEAR; CHRNA2-Related Nocturnal Frontal Lobe Epilepsy, Autosomal Dominant. Identifiers: Orphanet 98784, MedGen C1835905, MONDO:0012474, OMIM 610353.

Allele frequency attached by ClinVar (database versions not stated): gnomAD exomes 0.00116; gnomAD 0.00333 and 0.00349; TOPMed 0.00388; 1000 Genomes Project 0.00399; 1000 Genomes Project 30x 0.00484.

Submission:

Illumina Laboratory Services, Illumina
Classification: Benign for Autosomal dominant nocturnal frontal lobe epilepsy 4. Last evaluated: 2018-01-12. Review status: criteria provided, single submitter. Criteria: ICSL Variant Classification Criteria 13 December 2019. Collection method: clinical testing. Allele origin: germline.
Comment: This variant was observed in the ICSL laboratory as part of a predisposition screen in an ostensibly healthy population. It had not been previously curated by ICSL or reported in the Human Gene Mutation Database (HGMD: prior to June 1st, 2018), and was therefore a candidate for classification through an automated scoring system. Utilizing variant allele frequency, disease prevalence and penetrance estimates, and inheritance mode, an automated score was calculated to assess if this variant is too frequent to cause the disease. Based on the score and internal cut-off values, a variant classified as benign is not then subjected to further curation. The score for this variant resulted in a classification of benign for this disease.